The following is an entry in ClinVar:

NM_032608.7(MYO18B):c.5517+4G>T

Gene: MYO18B (myosin XVIIIB; plus strand). Cytogenetic location: 22q12.1.
Variant type: single nucleotide variant.
Coding change: c.5517+4G>T on transcript NM_032608.7 (MANE Select); 4 bases into the intron after coding-DNA position 5517, G replaced by T.
Molecular consequence: intron variant.
Genome position (GRCh38, 1-based): chr22:25,921,413, G>T. VCF-style: chr22-25921413-G-T. GRCh37 (hg19) VCF-style: chr22-26317380-G-T.
Other names: c.5520+4G>T (NM_001318245.2).
Identifiers: ClinVar variation 1446118 (VCV001446118.3), dbSNP rs758672103, ClinGen allele CA10161181.

ClinVar aggregate classification (germline): Uncertain significance (1 of 4 stars; one submission).

Allele frequency attached by ClinVar (database versions not stated): ExAC 0.00002; gnomAD exomes 0.00002; gnomAD 0.00011; TOPMed 0.00012.
gnomAD v4.1: 41 of 1,598,896 alleles (0.0026%); highest among the groups gnomAD compares: Admixed American, 0.036%; no homozygotes.

Submission:

Labcorp Genetics (formerly Invitae), Labcorp
Classification: Uncertain significance. Last evaluated: 2022-08-21. Review status: criteria provided, single submitter. Criteria: Invitae Variant Classification Sherloc (09022015). Collection method: clinical testing. Allele origin: germline.
Comment: This sequence change falls in intron 34 of the MYO18B gene. It does not directly change the encoded amino acid sequence of the MYO18B protein. It affects a nucleotide within the consensus splice site. This variant is present in population databases (rs758672103, gnomAD 0.02%). This variant has not been reported in the literature in individuals affected with MYO18B-related conditions. ClinVar contains an entry for this variant (Variation ID: 1446118). Variants that disrupt the consensus splice site are a relatively common cause of aberrant splicing (PMID: 17576681, 9536098). Algorithms developed to predict the effect of sequence changes on RNA splicing suggest that this variant may create or strengthen a splice site. In summary, the available evidence is currently insufficient to determine the role of this variant in disease. Therefore, it has been classified as a Variant of Uncertain Significance.

Literature cited by the submitters: PubMed 17576681; PubMed 9536098.